The following is an entry in ClinVar:

NM_001377.3(DYNC2H1):c.11644C>T (p.Pro3882Ser)

Gene: DYNC2H1 (dynein cytoplasmic 2 heavy chain 1; plus strand). Cytogenetic location: 11q22.3.
Variant type: single nucleotide variant.
Coding change: c.11644C>T on transcript NM_001377.3 (MANE Select); coding-DNA position 11644, C replaced by T.
Protein change: p.Pro3882Ser; replaces proline 3882 with serine.
Molecular consequence: missense variant.
Genome position (GRCh38, 1-based): chr11:103,312,028, C>T. VCF-style: chr11-103312028-C-T. GRCh37 (hg19) VCF-style: chr11-103182757-C-T.
Other names: c.11665C>T, p.Pro3889Ser (NM_001080463.2); short protein forms P3882S, P3889S.
Identifiers: ClinVar variation 4078539 (VCV004078539.2).

ClinVar aggregate classification (germline): Uncertain significance. Review status: criteria provided, multiple submitters, no conflicts (2 of 4 stars). 2 submissions from 2 submitters: Uncertain significance (2). Last evaluated 2025-09-02.

Conditions:
Asphyxiating thoracic dystrophy 3. Also called: Saldino-Noonan Syndrome; SHORT-RIB THORACIC DYSPLASIA 3 WITH OR WITHOUT POLYDACTYLY; POLYDACTYLY WITH NEONATAL CHONDRODYSTROPHY, TYPE I; SHORT-RIB THORACIC DYSPLASIA 3/6 WITH POLYDACTYLY, DIGENIC; Short rib polydactyly syndrome 2B. Identifiers: Orphanet 474, Orphanet 93269, Orphanet 93270, Orphanet 93271, MedGen C0036069, MONDO:0013127, OMIM 613091.

Submissions (2):

Institute of Immunology and Genetics Kaiserslautern
Classification: Uncertain significance for Asphyxiating thoracic dystrophy 3. Last evaluated: 2025-09-02. Review status: criteria provided, single submitter. Criteria: ACMG Guidelines, 2015. Collection method: clinical testing. Allele origin: paternal. Affected: yes.
Comment: ACMG Criteria: PM2_P; Variant was found in heterozygous state. Variant was forund in compound heterozygous state with NM_001377.3:c.6115C>T.

Revvity Omics, Revvity
Classification: Uncertain significance for Asphyxiating thoracic dystrophy 3. Last evaluated: 2024-11-14. Review status: criteria provided, single submitter. Criteria: ACMG Guidelines, 2015. Collection method: clinical testing. Allele origin: germline.